The following is an entry in ClinVar:

ClinVar aggregate classification (germline): Uncertain significance (1 of 4 stars; one submission).

Conditions:
Tuberous sclerosis 2 (TSC2). Identifiers: Orphanet 805, MedGen C1860707, MONDO:0013199, OMIM 613254.

Submission:

Labcorp Genetics (formerly Invitae), Labcorp
Classification: Uncertain significance for Tuberous sclerosis 2. Last evaluated: 2023-10-09. Review status: criteria provided, single submitter. Criteria: Invitae Variant Classification Sherloc (09022015). Collection method: clinical testing. Allele origin: germline.
Comment: This sequence change replaces valine, which is neutral and non-polar, with isoleucine, which is neutral and non-polar, at codon 909 of the TSC2 protein (p.Val909Ile). This variant is not present in population databases (gnomAD no frequency). This variant has not been reported in the literature in individuals affected with TSC2-related conditions. ClinVar contains an entry for this variant (Variation ID: 2131864). Advanced modeling of protein sequence and biophysical properties (such as structural, functional, and spatial information, amino acid conservation, physicochemical variation, residue mobility, and thermodynamic stability) performed at Invitae indicates that this missense variant is not expected to disrupt TSC2 protein function. In summary, the available evidence is currently insufficient to determine the role of this variant in disease. Therefore, it has been classified as a Variant of Uncertain Significance.

NM_000548.5(TSC2):c.2725G>A (p.Val909Ile)

Gene: TSC2 (TSC complex subunit 2; plus strand). Cytogenetic location: 16p13.3.
Variant type: single nucleotide variant.
Coding change: c.2725G>A on transcript NM_000548.5 (MANE Select); coding-DNA position 2725, G replaced by A.
Protein change: p.Val909Ile; replaces valine 909 with isoleucine.
Molecular consequence: missense variant.
Genome position (GRCh38, 1-based): chr16:2,076,153, G>A. VCF-style: chr16-2076153-G-A. GRCh37 (hg19) VCF-style: chr16-2126154-G-A.
Other names: c.2725G>A, p.Val909Ile (NM_001077183.3, NM_001114382.3, NM_001363528.2 and 6 more transcripts); c.2614G>A, p.Val872Ile (NM_001318827.2, NM_001406670.1, NM_001406678.1); c.2578G>A, p.Val860Ile (NM_001318829.2, NM_001406675.1, NM_001406676.1 and 1 more transcripts); c.2125G>A, p.Val709Ile (NM_001318831.2, NM_001406683.1, NM_001406684.1 and 6 more transcripts); c.2758G>A, p.Val920Ile (NM_001318832.2); c.2815G>A, p.Val939Ile (NM_001406667.1, NM_001406668.1); c.1381G>A, p.Val461Ile (NM_001406689.1, NM_001406690.1, NM_001406691.1 and 6 more transcripts); c.1123G>A, p.Val375Ile (NM_001406698.1); and 3 more; short protein forms V461I, V890I, V905I, V375I, V709I, V920I, V909I, V939I.
Identifiers: ClinVar variation 2131864 (VCV002131864.4), dbSNP rs2151388847, ClinGen allele CA394279547.